The following is an entry in ClinVar:

ClinVar aggregate classification (germline): Uncertain significance (1 of 4 stars; one submission).

Allele frequency attached by ClinVar (database versions not stated): gnomAD 0.00001; gnomAD exomes 0.00001.
gnomAD v4.1: 11 of 1,613,708 alleles (0.00068%); highest among the groups gnomAD compares: Non-Finnish European, 0.00093%; no homozygotes.

Submission:

Labcorp Genetics (formerly Invitae), Labcorp
Classification: Uncertain significance. Last evaluated: 2021-09-17. Review status: criteria provided, single submitter. Criteria: Invitae Variant Classification Sherloc (09022015). Collection method: clinical testing. Allele origin: germline.
Comment: This sequence change replaces cysteine with phenylalanine at codon 247 of the AGPS protein (p.Cys247Phe). The cysteine residue is moderately conserved and there is a large physicochemical difference between cysteine and phenylalanine. This variant is not present in population databases (ExAC no frequency). This variant has not been reported in the literature in individuals with AGPS-related conditions. Algorithms developed to predict the effect of missense changes on protein structure and function are either unavailable or do not agree on the potential impact of this missense change (SIFT: "Deleterious"; PolyPhen-2: "Probably Damaging"; Align-GVGD: "Class C0"). In summary, the available evidence is currently insufficient to determine the role of this variant in disease. Therefore, it has been classified as a Variant of Uncertain Significance.

NM_003659.4(AGPS):c.740G>T (p.Cys247Phe)

Gene: AGPS (alkylglycerone phosphate synthase; plus strand). Cytogenetic location: 2q31.2.
Variant type: single nucleotide variant.
Coding change: c.740G>T on transcript NM_003659.4 (MANE Select); coding-DNA position 740, G replaced by T.
Protein change: p.Cys247Phe; replaces cysteine 247 with phenylalanine.
Molecular consequence: missense variant.
Genome position (GRCh38, 1-based): chr2:177,442,437, G>T. VCF-style: chr2-177442437-G-T. GRCh37 (hg19) VCF-style: chr2-178307165-G-T.
Other names: short protein forms C247F.
Identifiers: ClinVar variation 2140493 (VCV002140493.1), dbSNP rs1438769290, ClinGen allele CA349703041.